The following is an entry in ClinVar:

NM_025243.4(SLC19A3):c.466G>T (p.Val156Leu)

Gene: SLC19A3 (solute carrier family 19 member 3; minus strand). Cytogenetic location: 2q36.3.
Variant type: single nucleotide variant.
Coding change: c.466G>T on transcript NM_025243.4 (MANE Select); coding-DNA position 466, G replaced by T.
Protein change: p.Val156Leu; replaces valine 156 with leucine.
Molecular consequence: missense variant.
Genome position (GRCh38, 1-based): chr2:227,699,249, C>A on the plus strand (G>T on the coding strand, the complement: SLC19A3 is on the minus strand). VCF-style: chr2-227699249-C-A. GRCh37 (hg19) VCF-style: chr2-228563965-C-A.
Other names: c.466G>T, p.Val156Leu (NM_001371411.1, NM_001371412.1); c.454G>T, p.Val152Leu (NM_001371413.1, NM_001371414.1); short protein forms V152L, V156L.
Identifiers: ClinVar variation 1038965 (VCV001038965.8), dbSNP rs774845903, ClinGen allele CA350877160.

ClinVar aggregate classification (germline): Uncertain significance (1 of 4 stars; one submission).

Conditions:
Biotin-responsive basal ganglia disease (BTBGD). Also called: Thiamine metabolism dysfunction syndrome 2 (biotin- or thiamine-responsive encephalopathy type 2); thiamine-responsive encephalopathy; THIAMINE METABOLISM DYSFUNCTION SYNDROME 2 (BIOTIN- AND THIAMINE-RESPONSIVE TYPE); Thiamine metabolism dysfunction syndrome type 2; Thiamine Transporter-2 Deficiency. Identifiers: Orphanet 199348, Orphanet 65284, MedGen C1843807, MONDO:0011841, OMIM 607483.

Allele frequency attached by ClinVar (database versions not stated): gnomAD exomes below 0.00001.
gnomAD v4.1: 5 of 1,614,084 alleles (0.00031%); highest among the groups gnomAD compares: Non-Finnish European, 0.00042%; no homozygotes.

Submission:

Labcorp Genetics (formerly Invitae), Labcorp
Classification: Uncertain significance for Biotin-responsive basal ganglia disease. Last evaluated: 2022-02-04. Review status: criteria provided, single submitter. Criteria: Invitae Variant Classification Sherloc (09022015). Collection method: clinical testing. Allele origin: germline.
Comment: This sequence change replaces valine, which is neutral and non-polar, with leucine, which is neutral and non-polar, at codon 156 of the SLC19A3 protein (p.Val156Leu). This variant is not present in population databases (gnomAD no frequency). This variant has not been reported in the literature in individuals affected with SLC19A3-related conditions. ClinVar contains an entry for this variant (Variation ID: 1038965). Advanced modeling of protein sequence and biophysical properties (such as structural, functional, and spatial information, amino acid conservation, physicochemical variation, residue mobility, and thermodynamic stability) performed at Invitae indicates that this missense variant is not expected to disrupt SLC19A3 protein function. In summary, the available evidence is currently insufficient to determine the role of this variant in disease. Therefore, it has been classified as a Variant of Uncertain Significance.